The following is an entry in ClinVar:

ClinVar aggregate classification (germline): Uncertain significance (1 of 4 stars; one submission).

Conditions:
Emery-Dreifuss muscular dystrophy 5, autosomal dominant (EDMD5). Also called: EMERY-DREIFUSS MUSCULAR DYSTROPHY 5. Identifiers: Orphanet 261, MedGen C2751805, MONDO:0013072, OMIM 612999.

Allele frequency attached by ClinVar (database versions not stated): gnomAD exomes below 0.00001; TOPMed 0.00001.
gnomAD v4.1: 6 of 1,613,862 alleles (0.00037%); highest among the groups gnomAD compares: Non-Finnish European, 0.00051%; no homozygotes.

Submission:

Labcorp Genetics (formerly Invitae), Labcorp
Classification: Uncertain significance for Emery-Dreifuss muscular dystrophy 5, autosomal dominant. Last evaluated: 2026-01-24. Review status: criteria provided, single submitter. Criteria: Invitae Variant Classification Sherloc (09022015). Collection method: clinical testing. Allele origin: germline.
Comment: This sequence change falls in intron 7 of the SYNE2 gene. It does not directly change the encoded amino acid sequence of the SYNE2 protein. It affects a nucleotide within the consensus splice site. This variant is not present in population databases (gnomAD no frequency). This variant has not been reported in the literature in individuals affected with SYNE2-related conditions. ClinVar contains an entry for this variant (Variation ID: 1045771). Variants that disrupt the consensus splice site are a relatively common cause of aberrant splicing (PMID: 17576681, 9536098). Algorithms developed to predict the effect of sequence changes on RNA splicing suggest that this variant may disrupt the consensus splice site. In summary, the available evidence is currently insufficient to determine the role of this variant in disease. Therefore, it has been classified as a Variant of Uncertain Significance.

Literature cited by the submitters: PubMed 17576681; PubMed 9536098.

NM_182914.3(SYNE2):c.590+6T>C

Gene: SYNE2 (spectrin repeat containing nuclear envelope protein 2; plus strand). Cytogenetic location: 14q23.2.
Variant type: single nucleotide variant.
Coding change: c.590+6T>C on transcript NM_182914.3 (MANE Select); 6 bases into the intron after coding-DNA position 590, T replaced by C.
Molecular consequence: intron variant.
Genome position (GRCh38, 1-based): chr14:63,950,012, T>C. VCF-style: chr14-63950012-T-C. GRCh37 (hg19) VCF-style: chr14-64416730-T-C.
Other names: c.590+6T>C (NM_015180.6).
Identifiers: ClinVar variation 1045771 (VCV001045771.6), dbSNP rs1011848200, ClinGen allele CA261802781.